The following is an entry in ClinVar:

NM_000264.5(PTCH1):c.832T>G (p.Trp278Gly)

Gene: PTCH1 (patched 1; minus strand). Cytogenetic location: 9q22.32.
Variant type: single nucleotide variant.
Coding change: c.832T>G on transcript NM_000264.5 (MANE Select); coding-DNA position 832, T replaced by G.
Protein change: p.Trp278Gly; replaces tryptophan 278 with glycine.
Molecular consequence: missense variant. On other transcripts: non-coding transcript variant (1).
Genome position (GRCh38, 1-based): chr9:95,480,503, A>C on the plus strand (T>G on the coding strand, the complement: PTCH1 is on the minus strand). VCF-style: chr9-95480503-A-C. GRCh37 (hg19) VCF-style: chr9-98242785-A-C.
Other names: c.634T>G, p.Trp212Gly (NM_001083602.3); c.829T>G, p.Trp277Gly (NM_001083603.3); c.379T>G, p.Trp127Gly (NM_001083604.3, NM_001083605.3, NM_001083606.3 and 1 more transcripts); c.832T>G, p.Trp278Gly (NM_001354918.2); short protein forms W277G, W127G, W278G, W212G.
Identifiers: ClinVar variation 1411383 (VCV001411383.9), dbSNP rs1219459429, ClinGen allele CA374114132.

ClinVar aggregate classification (germline): Conflicting classifications of pathogenicity. Review status: criteria provided, conflicting classifications (1 of 4 stars). 3 submissions from 3 submitters: Uncertain significance (2); Likely benign (1). Last evaluated 2025-11-23.

Conditions:
Hereditary cancer-predisposing syndrome. Also called: Hereditary neoplastic syndrome; Neoplastic Syndromes, Hereditary; Hereditary Cancer Syndrome; Tumor predisposition. Identifiers: Orphanet 140162, MedGen C0027672, MeSH D009386, MONDO:0015356.
Gorlin syndrome. Also called: Nevoid Basal Cell Carcinoma Syndrome; Basal cell nevus syndrome. Identifiers: Orphanet 377, MedGen C0004779, MONDO:0007187.

Allele frequency attached by ClinVar (database versions not stated): gnomAD exomes below 0.00001 and 0.00001.
gnomAD v4.1: 2 of 1,613,162 alleles (0.00012%); highest among the groups gnomAD compares: Non-Finnish European, 0.000085%; no homozygotes.

Submissions (3):

Labcorp Genetics (formerly Invitae), Labcorp
Classification: Likely benign for Gorlin syndrome. Last evaluated: 2025-11-23. Review status: criteria provided, single submitter. Criteria: Invitae Variant Classification Sherloc (09022015). Collection method: clinical testing. Allele origin: germline.

GeneDx
Classification: Uncertain significance. Last evaluated: 2024-04-04. Review status: criteria provided, single submitter. Criteria: GeneDx Variant Classification Process June 2021. Collection method: clinical testing. Allele origin: germline. Affected: yes.
Comment: Not observed at significant frequency in large population cohorts (gnomAD); In silico analysis supports that this missense variant has a deleterious effect on protein structure/function; Has not been previously published as pathogenic or benign to our knowledge; This variant is associated with the following publications: (PMID: 8906794)

Ambry Genetics
Classification: Uncertain significance for Hereditary cancer-predisposing syndrome. Last evaluated: 2023-11-01. Review status: criteria provided, single submitter. Criteria: Ambry Variant Classification Scheme 2023. Collection method: clinical testing. Allele origin: germline.
Comment: The p.W278G variant (also known as c.832T>G), located in coding exon 6 of the PTCH1 gene, results from a T to G substitution at nucleotide position 832. The tryptophan at codon 278 is replaced by glycine, an amino acid with highly dissimilar properties. This amino acid position is well conserved in available vertebrate species. In addition, the in silico prediction for this alteration is inconclusive. Since supporting evidence is limited at this time, the clinical significance of this alteration remains unclear.